The following is an entry in ClinVar:

NM_000937.5(POLR2A):c.1644C>A (p.Phe548Leu)

Gene: POLR2A (RNA polymerase II subunit A; plus strand). Cytogenetic location: 17p13.1.
Variant type: single nucleotide variant.
Coding change: c.1644C>A on transcript NM_000937.5 (MANE Select); coding-DNA position 1644, C replaced by A.
Protein change: p.Phe548Leu; replaces phenylalanine 548 with leucine.
Molecular consequence: missense variant.
Genome position (GRCh38, 1-based): chr17:7,499,464, C>A. VCF-style: chr17-7499464-C-A. GRCh37 (hg19) VCF-style: chr17-7402783-C-A.
Other names: short protein forms F548L.
Identifiers: ClinVar variation 4883433 (VCV004883433.2).
Genomic context (GRCh38, chr17:7,499,464, plus strand): 5'-CCAGAGCAATCGGCCTGTCATGGGTATTGTGCAGGACACACTCACAGCAGTGCGCAAATT[C>A]ACCAAGAGAGACGTCTTCCTGGAGCGGGTGTGTGGTCCAAATGGAAACCTGGCTTAAGTG-3'
Protein context (NP_000928.1, residues 538-558): VQDTLTAVRK[Phe548Leu]TKRDVFLERG

ClinVar aggregate classification (germline): Uncertain significance (1 of 4 stars; one submission).

Submission:

Dasa
Classification: Uncertain significance. Last evaluated: 2025-08-28. Review status: criteria provided, single submitter. Criteria: DASA Assertion Criteria. Collection method: clinical testing. Allele origin: germline.
Comment: NM_000937.5(POLR2A):c.1644C>A (p.Phe548Leu) is a missense variant that results in the substitution of phenylalanine with leucine. This variant is absent from population databases. The currently available literature and clinical evidence are not sufficient to establish a definitive association between this variant and the reported condition. Therefore, this variant is classified as a variant of uncertain significance.